The following is an entry in ClinVar:

ClinVar aggregate classification (germline): Uncertain significance (1 of 4 stars; one submission).

Submission:

Labcorp Genetics (formerly Invitae), Labcorp
Classification: Uncertain significance. Last evaluated: 2022-06-20. Review status: criteria provided, single submitter. Criteria: Invitae Variant Classification Sherloc (09022015). Collection method: clinical testing. Allele origin: germline.
Comment: In summary, the available evidence is currently insufficient to determine the role of this variant in disease. Therefore, it has been classified as a Variant of Uncertain Significance. Algorithms developed to predict the effect of missense changes on protein structure and function (SIFT, PolyPhen-2, Align-GVGD) all suggest that this variant is likely to be disruptive. This variant has not been reported in the literature in individuals affected with AEBP1-related conditions. This variant is present in population databases (no rsID available, gnomAD 0.006%). This sequence change replaces proline, which is neutral and non-polar, with arginine, which is basic and polar, at codon 772 of the AEBP1 protein (p.Pro772Arg).

NM_001129.5(AEBP1):c.2315C>G (p.Pro772Arg)

Gene: AEBP1 (AE binding protein 1; plus strand). Cytogenetic location: 7p13.
Variant type: single nucleotide variant.
Coding change: c.2315C>G on transcript NM_001129.5 (MANE Select); coding-DNA position 2315, C replaced by G.
Protein change: p.Pro772Arg; replaces proline 772 with arginine.
Molecular consequence: missense variant.
Genome position (GRCh38, 1-based): chr7:44,112,655, C>G. VCF-style: chr7-44112655-C-G. GRCh37 (hg19) VCF-style: chr7-44152254-C-G.
Other names: short protein forms P772R.
Identifiers: ClinVar variation 1503926 (VCV001503926.8), dbSNP rs1257918873, ClinGen allele CA367370685.